The following is an entry in ClinVar:

NM_000334.4(SCN4A):c.2012T>G (p.Phe671Cys)

Gene: SCN4A (sodium voltage-gated channel alpha subunit 4; minus strand). Cytogenetic location: 17q23.3.
Variant type: single nucleotide variant.
Coding change: c.2012T>G on transcript NM_000334.4 (MANE Select); coding-DNA position 2012, T replaced by G.
Protein change: p.Phe671Cys; replaces phenylalanine 671 with cysteine.
Molecular consequence: missense variant.
Genome position (GRCh38, 1-based): chr17:63,959,272, A>C on the plus strand (T>G on the coding strand, the complement: SCN4A is on the minus strand). VCF-style: chr17-63959272-A-C. GRCh37 (hg19) VCF-style: chr17-62036632-A-C.
Other names: short protein forms F671C.
Identifiers: ClinVar variation 931479 (VCV000931479.3), dbSNP rs772873287, ClinGen allele CA8709690.

ClinVar aggregate classification (germline): Likely pathogenic (1 of 4 stars; one submission).

Conditions:
Hyperkalemic periodic paralysis. Also called: Familial hyperkalemic periodic paralysis; Gamstorp disease. Identifiers: Orphanet 682, MedGen C0238357, MONDO:0008224, OMIM 170500, HP:0007215.

Allele frequency attached by ClinVar (database versions not stated): gnomAD exomes below 0.00001; TOPMed below 0.00001; ExAC 0.00001.

Submission:

Centre for Mendelian Genomics, University Medical Centre Ljubljana
Classification: Likely pathogenic for Hyperkalemic periodic paralysis. Last evaluated: 2019-05-24. Review status: criteria provided, single submitter. Criteria: ACMG Guidelines, 2015. Collection method: clinical testing. Allele origin: unknown. Affected: yes.
Comment: This variant was classified as: Likely pathogenic. The following ACMG criteria were applied in classifying this variant: PM1,PM2,PM5,PP3.